The following is an entry in ClinVar:

ClinVar aggregate classification (germline): Likely benign. Review status: criteria provided, single submitter (1 of 4 stars). 2 submissions from 2 submitters: Likely benign (1). 1 of the submissions does not count toward it. Last evaluated 2025-11-10.

Conditions:
ARHGAP31-related disorder. Also called: ARHGAP31-related condition.

Allele frequency attached by ClinVar (database versions not stated): ExAC 0.00002; gnomAD 0.00003; ESP Exome Variant Server 0.00008; 1000 Genomes Project 30x 0.00016; TOPMed 0.00018; 1000 Genomes Project 0.00020.
gnomAD v4.1: 36 of 1,614,206 alleles (0.0022%); highest among the groups gnomAD compares: African/African-American, 0.044%; no homozygotes.

Submissions (2):

Labcorp Genetics (formerly Invitae), Labcorp
Classification: Likely benign. Last evaluated: 2025-11-10. Review status: criteria provided, single submitter. Criteria: Invitae Variant Classification Sherloc (09022015). Collection method: clinical testing. Allele origin: germline.

PreventionGenetics, part of Exact Sciences
Classification: Likely benign for ARHGAP31-related condition. Last evaluated: 2022-10-11. Review status: no assertion criteria provided. Collection method: clinical testing. Allele origin: germline. Not counted in ClinVar's aggregate classification.
Comment: This variant is classified as likely benign based on ACMG/AMP sequence variant interpretation guidelines (Richards et al. 2015 PMID: 25741868, with internal and published modifications).

NM_020754.4(ARHGAP31):c.2013G>T (p.Ser671=)

Gene: ARHGAP31 (Rho GTPase activating protein 31; plus strand). Cytogenetic location: 3q13.33.
Variant type: single nucleotide variant.
Coding change: c.2013G>T on transcript NM_020754.4 (MANE Select); coding-DNA position 2013, G replaced by T.
Protein change: p.Ser671=; no amino-acid change (serine 671 retained).
Molecular consequence: synonymous variant.
Genome position (GRCh38, 1-based): chr3:119,413,942, G>T. VCF-style: chr3-119413942-G-T. GRCh37 (hg19) VCF-style: chr3-119132789-G-T.
Identifiers: ClinVar variation 798630 (VCV000798630.10), dbSNP rs367819044, ClinGen allele CA2553947.